The following is an entry in ClinVar:

ClinVar aggregate classification (germline): Uncertain significance. Review status: criteria provided, multiple submitters, no conflicts (2 of 4 stars). 2 submissions from 2 submitters: Uncertain significance (2). Last evaluated 2025-03-24.

Conditions:
Inborn genetic diseases. Identifiers: MedGen C0950123, MeSH D030342.

Submissions (2):

Labcorp Genetics (formerly Invitae), Labcorp
Classification: Uncertain significance. Last evaluated: 2025-03-24. Review status: criteria provided, single submitter. Criteria: Invitae Variant Classification Sherloc (09022015). Collection method: clinical testing. Allele origin: germline.
Comment: This sequence change replaces serine, which is neutral and polar, with arginine, which is basic and polar, at codon 1255 of the NSD1 protein (p.Ser1255Arg). This variant is not present in population databases (gnomAD no frequency). This variant has not been reported in the literature in individuals affected with NSD1-related conditions. ClinVar contains an entry for this variant (Variation ID: 2387151). Invitae Evidence Modeling of protein sequence and biophysical properties (such as structural, functional, and spatial information, amino acid conservation, physicochemical variation, residue mobility, and thermodynamic stability) indicates that this missense variant is not expected to disrupt NSD1 protein function with a negative predictive value of 95%. In summary, the available evidence is currently insufficient to determine the role of this variant in disease. Therefore, it has been classified as a Variant of Uncertain Significance.

Ambry Genetics
Classification: Uncertain significance for Inborn genetic diseases. Last evaluated: 2021-09-16. Review status: criteria provided, single submitter. Criteria: Ambry Variant Classification Scheme 2023. Collection method: clinical testing. Allele origin: germline.

NM_022455.5(NSD1):c.3763A>C (p.Ser1255Arg)

Gene: NSD1 (nuclear receptor binding SET domain protein 1; plus strand). Cytogenetic location: 5q35.3.
Variant type: single nucleotide variant.
Coding change: c.3763A>C on transcript NM_022455.5 (MANE Select); coding-DNA position 3763, A replaced by C.
Protein change: p.Ser1255Arg; replaces serine 1255 with arginine.
Molecular consequence: missense variant.
Genome position (GRCh38, 1-based): chr5:177,212,162, A>C. VCF-style: chr5-177212162-A-C. GRCh37 (hg19) VCF-style: chr5-176639163-A-C.
Other names: c.2890A>C, p.Ser964Arg (NM_001365684.2, NM_001409306.1, NM_001409307.1 and 3 more transcripts); c.3763A>C, p.Ser1255Arg (NM_001409301.1, NM_001409302.1, NM_001409303.1); c.3343A>C, p.Ser1115Arg (NM_001409304.1); c.3010A>C, p.Ser1004Arg (NM_001409305.1); short protein forms S1004R, S986R, S1255R, S1115R, S964R.
Identifiers: ClinVar variation 2387151 (VCV002387151.3), dbSNP rs1763395063, ClinGen allele CA362327863.